The following is an entry in ClinVar:

NM_005732.4(RAD50):c.2744dup (p.Leu915fs)

Gene: RAD50 (RAD50 double strand break repair protein; plus strand). Cytogenetic location: 5q31.1.
Variant type: Duplication.
Coding change: c.2744dup on transcript NM_005732.4 (MANE Select); coding-DNA position 2744, one base duplicated (T; older notation c.2744dupT).
Protein change: p.Leu915fs; shifts the reading frame from leucine 915.
Molecular consequence: frameshift variant.
Genome position (GRCh38, 1-based): chr5:132,608,640, T duplicated; the last of 3 consecutive T bases (chr5:132,608,638-132,608,640); duplicating any one gives the same sequence. VCF-style (leftmost placement, unchanged base first): chr5-132608637-C-CT. GRCh37 (hg19) VCF-style: chr5-131944329-C-CT.
Other names: c.2744dup (NM_005732.3); short protein forms L915fs.
Identifiers: ClinVar variation 231132 (VCV000231132.13), dbSNP rs876658976, ClinGen allele CA10578579.

ClinVar aggregate classification (germline): Pathogenic. Review status: criteria provided, multiple submitters, no conflicts (2 of 4 stars). 2 submissions from 2 submitters: Pathogenic (2). Last evaluated 2023-05-11.

Conditions:
Hereditary cancer-predisposing syndrome. Also called: Neoplastic Syndromes, Hereditary; Tumor predisposition; Hereditary Cancer Syndrome; Hereditary neoplastic syndrome. Identifiers: Orphanet 140162, MedGen C0027672, MeSH D009386, MONDO:0015356.

Submissions (2):

Labcorp Genetics (formerly Invitae), Labcorp
Classification: Pathogenic for Hereditary cancer-predisposing syndrome. Last evaluated: 2023-05-11. Review status: criteria provided, single submitter. Criteria: Invitae Variant Classification Sherloc (09022015). Collection method: clinical testing. Allele origin: germline.
Comment: This variant has not been reported in the literature in individuals affected with RAD50-related conditions. This variant is not present in population databases (gnomAD no frequency). This sequence change creates a premature translational stop signal (p.Leu915Phefs*29) in the RAD50 gene. It is expected to result in an absent or disrupted protein product. Loss-of-function variants in RAD50 are known to be pathogenic (PMID: 19409520). ClinVar contains an entry for this variant (Variation ID: 231132). For these reasons, this variant has been classified as Pathogenic.

Ambry Genetics
Classification: Pathogenic for Hereditary cancer-predisposing syndrome. Last evaluated: 2023-04-28. Review status: criteria provided, single submitter. Criteria: Ambry Variant Classification Scheme 2023. Collection method: clinical testing. Allele origin: germline.
Comment: The c.2744dupT pathogenic mutation, located in coding exon 17 of the RAD50 gene, results from a duplication of T at nucleotide position 2744, causing a translational frameshift with a predicted alternate stop codon (p.L915Ffs*29). This alteration is expected to result in loss of function by premature protein truncation or nonsense-mediated mRNA decay. As such, this alteration is interpreted as a disease-causing mutation.

Literature cited by the submitters: PubMed 19409520 (cited by Labcorp Genetics (formerly Invitae), Labcorp).